The following is an entry in ClinVar:

NM_006516.4(SLC2A1):c.1287T>C (p.Cys429=)

Gene: SLC2A1 (solute carrier family 2 member 1; minus strand). Cytogenetic location: 1p34.2.
Variant type: single nucleotide variant.
Coding change: c.1287T>C on transcript NM_006516.4 (MANE Select); coding-DNA position 1287, T replaced by C.
Protein change: p.Cys429=; no amino-acid change (cysteine 429 retained).
Molecular consequence: synonymous variant.
Genome position (GRCh38, 1-based): chr1:42,927,233, A>G on the plus strand (T>C on the coding strand, the complement: SLC2A1 is on the minus strand). VCF-style: chr1-42927233-A-G. GRCh37 (hg19) VCF-style: chr1-43392904-A-G.
Other names: c.1287T>C (NM_006516.2).
Identifiers: ClinVar variation 1565549 (VCV001565549.9), dbSNP rs373730619, ClinGen allele CA803290.
Genomic context (GRCh38, chr1:42,927,233, plus strand): 5'-GTAGGTGAAGATGAAGAACAGAACCAGGAGCACAGTGAAGATGATGAAGACGTAGGGACC[A>G]CACAGTTGCTGAAAGACACACAGACACACTTGGTTGGAGTCATGACCCTACATCCTGGCT-3'
Protein context (NP_006507.2, residues 419-439): GMCFQYVEQL[Cys429=]GPYVFIIFTV

ClinVar aggregate classification (germline): Likely benign. Review status: criteria provided, multiple submitters, no conflicts (2 of 4 stars). 2 submissions from 2 submitters: Likely benign (2). Last evaluated 2025-12-31.

Conditions:
SLC2A1-related disorder. Also called: SLC2A1-related condition; SLC2A1-related disorders.
GLUT1 deficiency syndrome 1, autosomal recessive. Identifiers: MedGen C3149117.

Allele frequency attached by ClinVar (database versions not stated): gnomAD exomes below 0.00001 and 0.00001; ExAC 0.00001; gnomAD 0.00002; TOPMed 0.00002; ESP Exome Variant Server 0.00008.
gnomAD v4.1: 14 of 1,613,862 alleles (0.00087%); highest among the groups gnomAD compares: African/African-American, 0.004%; no homozygotes.

Submissions (2):

PreventionGenetics, part of Exact Sciences
Classification: Likely benign for SLC2A1-related condition. Last evaluated: 2025-12-31. Review status: criteria provided, single submitter. Criteria: ACMG Guidelines, 2015. Collection method: clinical testing. Allele origin: germline.
Comment: This variant is classified as likely benign based on ACMG/AMP sequence variant interpretation guidelines (Richards et al. 2015 PMID: 25741868, with internal and published modifications).

Labcorp Genetics (formerly Invitae), Labcorp
Classification: Likely benign for GLUT1 deficiency syndrome 1, autosomal recessive. Last evaluated: 2022-11-01. Review status: criteria provided, single submitter. Criteria: Invitae Variant Classification Sherloc (09022015). Collection method: clinical testing. Allele origin: germline.